The following is an entry in ClinVar:

NM_001127208.3(TET2):c.1742G>A (p.Arg581His)

Genes: TET2 (tet methylcytosine dioxygenase 2; plus strand), TET2-AS1 (TET2 antisense RNA 1; minus strand). Cytogenetic location: 4q24.
Variant type: single nucleotide variant.
Coding change: c.1742G>A on transcript NM_001127208.3 (MANE Select); coding-DNA position 1742, G replaced by A.
Protein change: p.Arg581His; replaces arginine 581 with histidine.
Molecular consequence: missense variant.
Genome position (GRCh38, 1-based): chr4:105,235,684, G>A. VCF-style: chr4-105235684-G-A. GRCh37 (hg19) VCF-style: chr4-106156841-G-A.
Other names: c.1742G>A, p.Arg581His (NM_017628.4); short protein forms R581H.
Identifiers: ClinVar variation 3610797 (VCV003610797.1).

ClinVar aggregate classification (germline): Uncertain significance (1 of 4 stars; one submission).

gnomAD v4.1: 40 of 1,614,132 alleles (0.0025%); highest among the groups gnomAD compares: African/African-American, 0.011%; 1 homozygote.

Submission:

Labcorp Genetics (formerly Invitae), Labcorp
Classification: Uncertain significance. Last evaluated: 2025-01-05. Review status: criteria provided, single submitter. Criteria: Invitae Variant Classification Sherloc (09022015). Collection method: clinical testing. Allele origin: germline.
Comment: This sequence change replaces arginine, which is basic and polar, with histidine, which is basic and polar, at codon 581 of the TET2 protein (p.Arg581His). This variant is present in population databases (rs531508917, gnomAD 0.008%). This variant has not been reported in the literature in individuals affected with TET2-related conditions. An algorithm developed to predict the effect of missense changes on protein structure and function (PolyPhen-2) suggests that this variant¬†is likely to be tolerated. In summary, the available evidence is currently insufficient to determine the role of this variant in disease. Therefore, it has been classified as a Variant of Uncertain Significance.